The following is an entry in ClinVar:

ClinVar aggregate classification (germline): Uncertain significance (1 of 4 stars; one submission).

Conditions:
Werner syndrome (WRN). Identifiers: Orphanet 902, MedGen C0043119, MONDO:0010196, OMIM 277700.

Allele frequency attached by ClinVar (database versions not stated): gnomAD exomes below 0.00001.
gnomAD v4.1: 1 of 1,614,132 alleles (0.000062%); highest among the groups gnomAD compares: Non-Finnish European, 0.000085%; no homozygotes.

Submission:

Labcorp Genetics (formerly Invitae), Labcorp
Classification: Uncertain significance for Werner syndrome. Last evaluated: 2022-12-12. Review status: criteria provided, single submitter. Criteria: Invitae Variant Classification Sherloc (09022015). Collection method: clinical testing. Allele origin: germline.
Comment: In summary, the available evidence is currently insufficient to determine the role of this variant in disease. Therefore, it has been classified as a Variant of Uncertain Significance. Algorithms developed to predict the effect of missense changes on protein structure and function are either unavailable or do not agree on the potential impact of this missense change (SIFT: "Not Available"; PolyPhen-2: "Probably Damaging"; Align-GVGD: "Not Available"). ClinVar contains an entry for this variant (Variation ID: 404054). This variant has not been reported in the literature in individuals affected with WRN-related conditions. This variant is present in population databases (no rsID available, gnomAD 0.0009%). This sequence change replaces cysteine, which is neutral and slightly polar, with arginine, which is basic and polar, at codon 717 of the WRN protein (p.Cys717Arg).

NM_000553.6(WRN):c.2149T>C (p.Cys717Arg)

Gene: WRN (WRN RecQ like helicase; plus strand). Cytogenetic location: 8p12.
Variant type: single nucleotide variant.
Coding change: c.2149T>C on transcript NM_000553.6 (MANE Select); coding-DNA position 2149, T replaced by C.
Protein change: p.Cys717Arg; replaces cysteine 717 with arginine.
Molecular consequence: missense variant.
Genome position (GRCh38, 1-based): chr8:31,111,675, T>C. VCF-style: chr8-31111675-T-C. GRCh37 (hg19) VCF-style: chr8-30969191-T-C.
Other names: short protein forms C717R.
Identifiers: ClinVar variation 404054 (VCV000404054.8), dbSNP rs1060500078, ClinGen allele CA16612322.